The following is an entry in ClinVar:

NM_000528.4(MAN2B1):c.2047-4G>A

Gene: MAN2B1 (mannosidase alpha class 2B member 1; minus strand). Cytogenetic location: 19p13.13.
Variant type: single nucleotide variant.
Coding change: c.2047-4G>A on transcript NM_000528.4 (MANE Select); 4 bases into the intron before coding-DNA position 2047, G replaced by A.
Molecular consequence: intron variant.
Genome position (GRCh38, 1-based): chr19:12,650,226, C>T on the plus strand (G>A on the coding strand, the complement: MAN2B1 is on the minus strand). VCF-style: chr19-12650226-C-T. GRCh37 (hg19) VCF-style: chr19-12761040-C-T.
Other names: c.2044-4G>A (NM_001173498.2).
Identifiers: ClinVar variation 747295 (VCV000747295.19), dbSNP rs768347546, ClinGen allele CA9226210.
Genomic context (GRCh38, chr19:12,650,226, plus strand): 5'-AACCACCTGGGAACACCAAGCTGAGAAGTTCTGGTGCACCTCCTGCACCAAGGGTGTCTG[C>T]GGGCACACGGGTGAGGTGGATGTCAGTCTGTACCTGAGCAGAGGTGAGTCCTACAAATGT-3'

ClinVar aggregate classification (germline): Likely benign. Review status: criteria provided, multiple submitters, no conflicts (2 of 4 stars). 4 submissions from 4 submitters: Likely benign (3). 1 of the submissions does not count toward it. Last evaluated 2026-03-01.

Conditions:
Deficiency of alpha-mannosidase (MANSA). Also called: Alpha-Mannosidosis; LYSOSOMAL ALPHA-D-MANNOSIDASE DEFICIENCY; Mannosidosis, alpha-, types I and II. Identifiers: Orphanet 61, MedGen C0024748, MONDO:0009561, OMIM 248500.

Allele frequency attached by ClinVar (database versions not stated): gnomAD 0.00004 and 0.00006; ExAC 0.00007; TOPMed 0.00008; gnomAD exomes 0.00009 and 0.00010.
gnomAD v4.1: 139 of 1,584,064 alleles (0.0088%); highest among the groups gnomAD compares: Middle Eastern, 0.067%; no homozygotes.

Submissions (4):

CeGaT Center for Human Genetics Tuebingen
Classification: Likely benign. Last evaluated: 2026-03-01. Review status: criteria provided, single submitter. Criteria: CeGaT Center For Human Genetics Tuebingen Variant Classification Criteria Version 2. Collection method: clinical testing. Allele origin: germline. Affected: yes. Observed: 2 variant alleles.
Comment: MAN2B1: BP4

Labcorp Genetics (formerly Invitae), Labcorp
Classification: Likely benign for Deficiency of alpha-mannosidase. Last evaluated: 2026-01-20. Review status: criteria provided, single submitter. Criteria: Invitae Variant Classification Sherloc (09022015). Collection method: clinical testing. Allele origin: germline.

Blueprint Genetics
Classification: Likely benign. Last evaluated: 2024-09-12. Review status: criteria provided, single submitter. Criteria: ACMG Guidelines, 2015. Collection method: clinical testing. Allele origin: germline.

Natera, Inc.
Classification: Uncertain significance for Alpha-mannosidosis. Last evaluated: 2020-01-17. Review status: no assertion criteria provided. Collection method: clinical testing. Allele origin: germline. Not counted in ClinVar's aggregate classification.